The following is an entry in ClinVar:

ClinVar aggregate classification (germline): Conflicting classifications of pathogenicity. Review status: criteria provided, conflicting classifications (1 of 4 stars). 3 submissions from 3 submitters: Uncertain significance (1); Benign (1); Likely benign (1). Last evaluated 2025-09-01.

Conditions:
Kabuki syndrome. Also called: NIIKAWA-KUROKI SYNDROME; Kabuki make-up syndrome. Identifiers: Orphanet 2322, MedGen C0796004, MONDO:0016512.

Allele frequency attached by ClinVar (database versions not stated): ExAC 0.00001; gnomAD exomes 0.00001.
gnomAD v4.1: 11 of 1,613,340 alleles (0.00068%); highest among the groups gnomAD compares: South Asian, 0.011%; no homozygotes.

Submissions (3):

CeGaT Center for Human Genetics Tuebingen
Classification: Likely benign. Last evaluated: 2025-09-01. Review status: criteria provided, single submitter. Criteria: CeGaT Center For Human Genetics Tuebingen Variant Classification Criteria Version 2. Collection method: clinical testing. Allele origin: germline. Affected: yes. Observed: 1 variant allele.
Comment: KMT2D: BP4

Labcorp Genetics (formerly Invitae), Labcorp
Classification: Benign for Kabuki syndrome. Last evaluated: 2024-10-22. Review status: criteria provided, single submitter. Criteria: Invitae Variant Classification Sherloc (09022015). Collection method: clinical testing. Allele origin: germline.

GeneDx
Classification: Uncertain significance. Last evaluated: 2023-05-10. Review status: criteria provided, single submitter. Criteria: GeneDx Variant Classification Process June 2021. Collection method: clinical testing. Allele origin: germline. Affected: yes.
Comment: In silico analysis supports that this missense variant does not alter protein structure/function; Has not been previously published as pathogenic or benign to our knowledge

NM_003482.4(KMT2D):c.12549G>T (p.Gln4183His)

Gene: KMT2D (lysine methyltransferase 2D; minus strand). Cytogenetic location: 12q13.12.
Variant type: single nucleotide variant.
Coding change: c.12549G>T on transcript NM_003482.4 (MANE Select); coding-DNA position 12549, G replaced by T.
Protein change: p.Gln4183His; replaces glutamine 4183 with histidine.
Molecular consequence: missense variant.
Genome position (GRCh38, 1-based): chr12:49,032,156, C>A on the plus strand (G>T on the coding strand, the complement: KMT2D is on the minus strand). VCF-style: chr12-49032156-C-A. GRCh37 (hg19) VCF-style: chr12-49425939-C-A.
Other names: short protein forms Q4183H.
Identifiers: ClinVar variation 2662334 (VCV002662334.12), dbSNP rs770484137, ClinGen allele CA6546188.